The following is an entry in ClinVar:

NM_000548.5(TSC2):c.667G>A (p.Asp223Asn)

Gene: TSC2 (TSC complex subunit 2; plus strand). Cytogenetic location: 16p13.3.
Variant type: single nucleotide variant.
Coding change: c.667G>A on transcript NM_000548.5 (MANE Select); coding-DNA position 667, G replaced by A.
Protein change: p.Asp223Asn; replaces aspartic acid 223 with asparagine.
Molecular consequence: missense variant.
Genome position (GRCh38, 1-based): chr16:2,056,662, G>A. VCF-style: chr16-2056662-G-A. GRCh37 (hg19) VCF-style: chr16-2106663-G-A.
Other names: c.667G>A, p.Asp223Asn (NM_001077183.3, NM_001114382.3, NM_001363528.2 and 3 more transcripts); c.556G>A, p.Asp186Asn (NM_001318827.2); c.520G>A, p.Asp174Asn (NM_001318829.2); c.67G>A, p.Asp23Asn (NM_001318831.2); c.700G>A, p.Asp234Asn (NM_001318832.2); short protein forms D234N, D186N, D23N, D174N, D223N.
Identifiers: ClinVar variation 1503518 (VCV001503518.8), dbSNP rs45517121, ClinGen allele CA394312424.
Genomic context (GRCh38, chr16:2,056,662, plus strand): 5'-AGCTGGGGTAGGACGGGCGTGAGCCGTCTCCCTCTCCACCAGGTCTCCCTGCAGGTGCTG[G>A]ACGCCGTGGTCTGCTACAACTGCCTGCCGGCTGAGAGCCTCCCGCTGTTCATCGTTACCC-3'
Protein context (NP_000539.2, residues 213-233): VDIEVSLQVL[Asp223Asn]AVVCYNCLPA

ClinVar aggregate classification (germline): Uncertain significance (1 of 4 stars; one submission).

Conditions:
Tuberous sclerosis 2 (TSC2). Identifiers: Orphanet 805, MedGen C1860707, MONDO:0013199, OMIM 613254.

Allele frequency attached by ClinVar (database versions not stated): TOPMed below 0.00001.

Submission:

Labcorp Genetics (formerly Invitae), Labcorp
Classification: Uncertain significance for Tuberous sclerosis 2. Last evaluated: 2021-07-04. Review status: criteria provided, single submitter. Criteria: Invitae Variant Classification Sherloc (09022015). Collection method: clinical testing. Allele origin: germline.
Comment: This variant is not present in population databases (ExAC no frequency). In summary, the available evidence is currently insufficient to determine the role of this variant in disease. Therefore, it has been classified as a Variant of Uncertain Significance. Advanced modeling of protein sequence and biophysical properties (such as structural, functional, and spatial information, amino acid conservation, physicochemical variation, residue mobility, and thermodynamic stability) performed at Invitae indicates that this missense variant is not expected to disrupt TSC2 protein function. This variant has not been reported in the literature in individuals affected with TSC2-related conditions. This sequence change replaces aspartic acid with asparagine at codon 223 of the TSC2 protein (p.Asp223Asn). The aspartic acid residue is highly conserved and there is a small physicochemical difference between aspartic acid and asparagine.